The following is an entry in ClinVar:

NM_005633.4(SOS1):c.*3569T>C

Gene: SOS1 (SOS Ras/Rac guanine nucleotide exchange factor 1; minus strand). Cytogenetic location: 2p22.1.
Variant type: single nucleotide variant.
Coding change: c.*3569T>C on transcript NM_005633.4 (MANE Select); 3569 bases downstream of the stop codon, T replaced by C.
Molecular consequence: 3 prime UTR variant.
Genome position (GRCh38, 1-based): chr2:38,982,255, A>G on the plus strand (T>C on the coding strand, the complement: SOS1 is on the minus strand). VCF-style: chr2-38982255-A-G. GRCh37 (hg19) VCF-style: chr2-39209396-A-G.
Other names: c.*3569T>C (NM_001382394.1, NM_001382395.1).
Identifiers: ClinVar variation 897416 (VCV000897416.6), dbSNP rs115465194, ClinGen allele CA45670616.

ClinVar aggregate classification (germline): Benign/Likely benign. Review status: criteria provided, multiple submitters, no conflicts (2 of 4 stars). 5 submissions from 3 submitters: Benign (3); Likely benign (2). Last evaluated 2021-08-26.

Conditions:
Noonan syndrome 4 (NS4). Also called: NOONAN SYNDROME WITH PIGMENTED VILLONODULAR SYNOVITIS; SOS1-Related Noonan Syndrome. Identifiers: Orphanet 648, MedGen C1853120, MONDO:0012547, OMIM 610733.
Fibromatosis, gingival, 1 (GINGF1). Identifiers: Orphanet 2024, MedGen C4551558, MONDO:0007609, OMIM 135300.

Allele frequency attached by ClinVar (database versions not stated): gnomAD 0.00389 and 0.00421; 1000 Genomes Project 30x 0.00390; 1000 Genomes Project 0.00419; TOPMed 0.00454.

Submissions (5):

GeneDx
Classification: Likely benign. Last evaluated: 2021-08-26. Review status: criteria provided, single submitter. Criteria: GeneDx Variant Classification Process June 2021. Collection method: clinical testing. Allele origin: germline. Affected: yes.

Illumina Laboratory Services, Illumina
Classification: Likely benign for Noonan syndrome 4. Last evaluated: 2018-01-13. Review status: criteria provided, single submitter. Criteria: ICSL Variant Classification Criteria 13 December 2019. Collection method: clinical testing. Allele origin: germline.
Comment: This variant was observed in the ICSL laboratory as part of a predisposition screen in an ostensibly healthy population. It had not been previously curated by ICSL or reported in the Human Gene Mutation Database (HGMD: prior to June 1st, 2018), and was therefore a candidate for classification through an automated scoring system. Utilizing variant allele frequency, disease prevalence and penetrance estimates, and inheritance mode, an automated score was calculated to assess if this variant is too frequent to cause the disease. Based on the score and internal cut-off values, a variant classified as likely benign is not then subjected to further curation. The score for this variant resulted in a classification of likely benign for this disease.

Illumina Laboratory Services, Illumina
Classification: Benign for Fibromatosis, gingival, 1. Last evaluated: 2018-01-13. Review status: criteria provided, single submitter. Criteria: ICSL Variant Classification Criteria 13 December 2019. Collection method: clinical testing. Allele origin: germline.
Comment: This variant was observed in the ICSL laboratory as part of a predisposition screen in an ostensibly healthy population. It had not been previously curated by ICSL or reported in the Human Gene Mutation Database (HGMD: prior to June 1st, 2018), and was therefore a candidate for classification through an automated scoring system. Utilizing variant allele frequency, disease prevalence and penetrance estimates, and inheritance mode, an automated score was calculated to assess if this variant is too frequent to cause the disease. Based on the score and internal cut-off values, a variant classified as benign is not then subjected to further curation. The score for this variant resulted in a classification of benign for this disease.

Genome-Nilou Lab
Classification: Benign for Noonan syndrome 4. Review status: criteria provided, single submitter. Criteria: ACMG Guidelines, 2015. Collection method: clinical testing. Allele origin: germline.

Genome-Nilou Lab
Classification: Benign for Fibromatosis, gingival, 1. Review status: criteria provided, single submitter. Criteria: ACMG Guidelines, 2015. Collection method: clinical testing. Allele origin: germline.